The following is an entry in ClinVar:

ClinVar aggregate classification (germline): Uncertain significance (1 of 4 stars; one submission).

Conditions:
Baller-Gerold syndrome (BGS). Also called: CRANIOSYNOSTOSIS WITH RADIAL DEFECTS. Identifiers: Orphanet 1225, MedGen C0265308, MONDO:0009039, OMIM 218600.

gnomAD v4.1: 1 of 1,612,824 alleles (0.000062%); highest among the groups gnomAD compares: African/African-American, 0.0013%; no homozygotes.

Submission:

Labcorp Genetics (formerly Invitae), Labcorp
Classification: Uncertain significance for Baller-Gerold syndrome. Last evaluated: 2022-04-30. Review status: criteria provided, single submitter. Criteria: Invitae Variant Classification Sherloc (09022015). Collection method: clinical testing. Allele origin: germline.
Comment: This sequence change replaces arginine, which is basic and polar, with leucine, which is neutral and non-polar, at codon 384 of the RECQL4 protein (p.Arg384Leu). In summary, the available evidence is currently insufficient to determine the role of this variant in disease. Therefore, it has been classified as a Variant of Uncertain Significance. Experimental studies and prediction algorithms are not available or were not evaluated, and the functional significance of this variant is currently unknown. This variant has not been reported in the literature in individuals affected with RECQL4-related conditions. This variant is present in population databases (no rsID available, gnomAD 0.01%).

NM_004260.4(RECQL4):c.1151G>T (p.Arg384Leu)

Gene: RECQL4 (RecQ like helicase 4; minus strand). Cytogenetic location: 8q24.3.
Variant type: single nucleotide variant.
Coding change: c.1151G>T on transcript NM_004260.4 (MANE Select); coding-DNA position 1151, G replaced by T.
Protein change: p.Arg384Leu; replaces arginine 384 with leucine.
Molecular consequence: missense variant.
Genome position (GRCh38, 1-based): chr8:144,515,871, C>A on the plus strand (G>T on the coding strand, the complement: RECQL4 is on the minus strand). VCF-style: chr8-144515871-C-A. GRCh37 (hg19) VCF-style: chr8-145741255-C-A.
Other names: short protein forms R384L.
Identifiers: ClinVar variation 1397374 (VCV001397374.6), dbSNP rs376045624, ClinGen allele CA372687787.
Genomic context (GRCh38, chr8:144,515,871, plus strand): 5'-AAACAAGACTCCTTGGTTGTGACTGTGGCACCACCACCCCCAAAACACTCCCCTTTCTTC[C>A]GCCACTTCTGCTTCCATGCCTGGGGGGTGCCCACATAGGAGGGTCACTGGGCGGGAAATA-3'
Protein context (NP_004251.4, residues 374-394): LRKQAWKQKW[Arg384Leu]KKGECFGGGG